The following is an entry in ClinVar:

ClinVar aggregate classification (germline): Uncertain significance (1 of 4 stars; one submission).

Allele frequency attached by ClinVar (database versions not stated): TOPMed below 0.00001.

Submission:

CeGaT Center for Human Genetics Tuebingen
Classification: Uncertain significance. Last evaluated: 2024-02-01. Review status: criteria provided, single submitter. Criteria: CeGaT Center For Human Genetics Tuebingen Variant Classification Criteria Version 2. Collection method: clinical testing. Allele origin: germline. Affected: yes. Observed: 1 variant allele.
Comment: SYNE1: PM2

NM_182961.4(SYNE1):c.8243G>C (p.Trp2748Ser)

Gene: SYNE1 (spectrin repeat containing nuclear envelope protein 1; minus strand). Cytogenetic location: 6q25.2.
Variant type: single nucleotide variant.
Coding change: c.8243G>C on transcript NM_182961.4 (MANE Select); coding-DNA position 8243, G replaced by C.
Protein change: p.Trp2748Ser; replaces tryptophan 2748 with serine.
Molecular consequence: missense variant.
Genome position (GRCh38, 1-based): chr6:152,387,316, C>G on the plus strand (G>C on the coding strand, the complement: SYNE1 is on the minus strand). VCF-style: chr6-152387316-C-G. GRCh37 (hg19) VCF-style: chr6-152708451-C-G.
Other names: c.8264G>C, p.Trp2755Ser (NM_033071.5); short protein forms W2748S, W2755S.
Identifiers: ClinVar variation 3026251 (VCV003026251.22), dbSNP rs2097539125, ClinGen allele CA366147091.